The following is an entry in ClinVar:

ClinVar aggregate classification (germline): Conflicting classifications of pathogenicity. Review status: criteria provided, conflicting classifications (1 of 4 stars). 3 submissions from 3 submitters: Uncertain significance (2); Likely benign (1). Last evaluated 2024-08-28.

Conditions:
Inborn genetic diseases. Identifiers: MedGen C0950123, MeSH D030342.

Allele frequency attached by ClinVar (database versions not stated): gnomAD 0.00005 and 0.00006; TOPMed 0.00006; ESP Exome Variant Server 0.00015.
gnomAD v4.1: 31 of 1,613,296 alleles (0.0019%); highest among the groups gnomAD compares: African/African-American, 0.0093%; no homozygotes.

Submissions (3):

Ambry Genetics
Classification: Likely benign for Inborn genetic diseases. Last evaluated: 2024-08-28. Review status: criteria provided, single submitter. Criteria: Ambry Variant Classification Scheme 2023. Collection method: clinical testing. Allele origin: germline.

Labcorp Genetics (formerly Invitae), Labcorp
Classification: Uncertain significance. Last evaluated: 2023-08-04. Review status: criteria provided, single submitter. Criteria: Invitae Variant Classification Sherloc (09022015). Collection method: clinical testing. Allele origin: germline.
Comment: In summary, the available evidence is currently insufficient to determine the role of this variant in disease. Therefore, it has been classified as a Variant of Uncertain Significance. Advanced modeling of protein sequence and biophysical properties (such as structural, functional, and spatial information, amino acid conservation, physicochemical variation, residue mobility, and thermodynamic stability) performed at Invitae indicates that this missense variant is not expected to disrupt GRM6 protein function. ClinVar contains an entry for this variant (Variation ID: 1486868). This variant has not been reported in the literature in individuals affected with GRM6-related conditions. This variant is present in population databases (rs150290493, gnomAD 0.05%). This sequence change replaces valine, which is neutral and non-polar, with methionine, which is neutral and non-polar, at codon 608 of the GRM6 protein (p.Val608Met).

Breakthrough Genomics
Classification: Uncertain significance. Review status: criteria provided, single submitter. Criteria: ACMG Guidelines, 2015. Collection method: not provided. Allele origin: germline. Inheritance: Autosomal recessive inheritance. Affected: yes.

NM_000843.4(GRM6):c.1822G>A (p.Val608Met)

Genes: GRM6 (glutamate metabotropic receptor 6; minus strand), ZNF454 (zinc finger protein 454; plus strand). Cytogenetic location: 5q35.3.
Variant type: single nucleotide variant.
Coding change: c.1822G>A on transcript NM_000843.4 (MANE Select); coding-DNA position 1822, G replaced by A.
Protein change: p.Val608Met; replaces valine 608 with methionine.
Molecular consequence: missense variant.
Genome position (GRCh38, 1-based): chr5:178,986,432, C>T on the plus strand (G>A on the coding strand, the complement: GRM6 is on the minus strand). VCF-style: chr5-178986432-C-T. GRCh37 (hg19) VCF-style: chr5-178413433-C-T.
Other names: c.1822G>A (NM_000843.3); short protein forms V608M.
Identifiers: ClinVar variation 1486868 (VCV001486868.8), dbSNP rs150290493, ClinGen allele CA3593919.
Genomic context (GRCh38, chr5:178,986,432, plus strand): 5'-GGAGGACGTAGCTGAGCTCTCGGCCCGAGGCCCGGACGATGGGCGTGTTGTTGTACCGCA[C>T]GAAGGTGGCCACCACCGTGGTAGTGGCCACGATGCCCAGCACGGCCAGGAGGAGCGGCGG-3'
Protein context (NP_000834.2, residues 598-618): VATTTVVATF[Val608Met]RYNNTPIVRA